The following is an entry in ClinVar:

NM_001999.4(FBN2):c.5917+201T>A

Gene: FBN2 (fibrillin 2; minus strand). Cytogenetic location: 5q23.3.
Variant type: single nucleotide variant.
Coding change: c.5917+201T>A on transcript NM_001999.4 (MANE Select); 201 bases into the intron after coding-DNA position 5917, T replaced by A.
Molecular consequence: intron variant.
Genome position (GRCh38, 1-based): chr5:128,302,772, A>T on the plus strand (T>A on the coding strand, the complement: FBN2 is on the minus strand). VCF-style: chr5-128302772-A-T. GRCh37 (hg19) VCF-style: chr5-127638464-A-T.
Identifiers: ClinVar variation 674503 (VCV000674503.1), dbSNP rs26023, ClinGen allele CA126981023.

ClinVar aggregate classification (germline): Likely benign (1 of 4 stars; one submission).

Allele frequency attached by ClinVar (database versions not stated): 1000 Genomes Project 30x 0.02748; 1000 Genomes Project 0.02815.
gnomAD v4.1: 2,048 of 152,140 alleles (1.3%); highest among the groups gnomAD compares: East Asian, 15%; 79 homozygotes.

Submission:

GeneDx
Classification: Likely benign. Last evaluated: 2018-06-19. Review status: criteria provided, single submitter. Criteria: GeneDx Variant Classification (06012015). Collection method: clinical testing. Allele origin: germline. Affected: yes.
Comment: This variant is considered likely benign or benign based on one or more of the following criteria: it is a conservative change, it occurs at a poorly conserved position in the protein, it is predicted to be benign by multiple in silico algorithms, and/or has population frequency not consistent with disease.